The following is an entry in ClinVar:

NM_001957.4(EDNRA):c.308G>T (p.Arg103Met)

Gene: EDNRA (endothelin receptor type A; plus strand). Cytogenetic location: 4q31.22.
Variant type: single nucleotide variant.
Coding change: c.308G>T on transcript NM_001957.4 (MANE Select); coding-DNA position 308, G replaced by T.
Protein change: p.Arg103Met; replaces arginine 103 with methionine.
Molecular consequence: missense variant. On other transcripts: non-coding transcript variant (1).
Genome position (GRCh38, 1-based): chr4:147,485,989, G>T. VCF-style: chr4-147485989-G-T. GRCh37 (hg19) VCF-style: chr4-148407141-G-T.
Other names: c.308G>T, p.Arg103Met (NM_001166055.2, NM_001354797.2); short protein forms R103M.
Identifiers: ClinVar variation 1517505 (VCV001517505.6), dbSNP rs367891598, ClinGen allele CA3097855.
Genomic context (GRCh38, chr4:147,485,989, plus strand): 5'-ACACTGTGATATCTTGTACTATTTTCATCGTGGGAATGGTGGGGAATGCAACTCTGCTCA[G>T]GATCATTTACCAGAACAAATGTATGAGGAATGGCCCCAACGCGCTGATAGCCAGTCTTGC-3'
Protein context (NP_001948.1, residues 93-113): VGMVGNATLL[Arg103Met]IIYQNKCMRN

ClinVar aggregate classification (germline): Uncertain significance (1 of 4 stars; one submission).

Allele frequency attached by ClinVar (database versions not stated): gnomAD exomes 0.00001; TOPMed 0.00001; ExAC 0.00002.

Submission:

Labcorp Genetics (formerly Invitae), Labcorp
Classification: Uncertain significance. Last evaluated: 2021-11-09. Review status: criteria provided, single submitter. Criteria: Invitae Variant Classification Sherloc (09022015). Collection method: clinical testing. Allele origin: germline.
Comment: In summary, the available evidence is currently insufficient to determine the role of this variant in disease. Therefore, it has been classified as a Variant of Uncertain Significance. Algorithms developed to predict the effect of missense changes on protein structure and function are either unavailable or do not agree on the potential impact of this missense change (SIFT: "Deleterious"; PolyPhen-2: "Probably Damaging"; Align-GVGD: "Class C0"). This variant has not been reported in the literature in individuals affected with EDNRA-related conditions. This variant is present in population databases (rs367891598, gnomAD 0.01%). This sequence change replaces arginine, which is basic and polar, with methionine, which is neutral and non-polar, at codon 103 of the EDNRA protein (p.Arg103Met).